The following is an entry in ClinVar:

NM_001164508.2(NEB):c.20755C>T (p.His6919Tyr)

Gene: NEB (nebulin; minus strand). Cytogenetic location: 2q23.3.
Variant type: single nucleotide variant.
Coding change: c.20755C>T on transcript NM_001164508.2 (MANE Select); coding-DNA position 20755, C replaced by T.
Protein change: p.His6919Tyr; replaces histidine 6919 with tyrosine.
Molecular consequence: missense variant.
Genome position (GRCh38, 1-based): chr2:151,540,729, G>A on the plus strand (C>T on the coding strand, the complement: NEB is on the minus strand). VCF-style: chr2-151540729-G-A. GRCh37 (hg19) VCF-style: chr2-152397243-G-A.
Other names: c.20755C>T, p.His6919Tyr (NM_001164507.2, NM_001271208.2); c.15652C>T, p.His5218Tyr (NM_004543.5); short protein forms H5218Y, H6919Y.
Identifiers: ClinVar variation 1463352 (VCV001463352.10), dbSNP rs2093931355, ClinGen allele CA348777561.

ClinVar aggregate classification (germline): Uncertain significance. Review status: criteria provided, multiple submitters, no conflicts (2 of 4 stars). 2 submissions from 2 submitters: Uncertain significance (2). Last evaluated 2023-07-25.

Conditions:
Nemaline myopathy 2 (NEM2). Also called: Nemaline myopathy 2, autosomal recessive. Identifiers: MedGen C1850569, MONDO:0009725, OMIM 256030.

Allele frequency attached by ClinVar (database versions not stated): gnomAD exomes below 0.00001.
gnomAD v4.1: 5 of 1,613,514 alleles (0.00031%); highest among the groups gnomAD compares: South Asian, 0.0033%; no homozygotes.

Submissions (2):

Revvity Omics, Revvity
Classification: Uncertain significance. Last evaluated: 2023-07-25. Review status: criteria provided, single submitter. Criteria: ACMG Guidelines, 2015. Collection method: clinical testing. Allele origin: germline.

Labcorp Genetics (formerly Invitae), Labcorp
Classification: Uncertain significance for Nemaline myopathy 2. Last evaluated: 2023-07-17. Review status: criteria provided, single submitter. Criteria: Invitae Variant Classification Sherloc (09022015). Collection method: clinical testing. Allele origin: germline.
Comment: In summary, the available evidence is currently insufficient to determine the role of this variant in disease. Therefore, it has been classified as a Variant of Uncertain Significance. Experimental studies and prediction algorithms are not available or were not evaluated, and the functional significance of this variant is currently unknown. ClinVar contains an entry for this variant (Variation ID: 1463352). This variant has not been reported in the literature in individuals affected with NEB-related conditions. This variant is not present in population databases (gnomAD no frequency). This sequence change replaces histidine, which is basic and polar, with tyrosine, which is neutral and polar, at codon 6919 of the NEB protein (p.His6919Tyr).